The following is an entry in ClinVar:

NM_006767.4(LZTR1):c.1772_1773insTCGCCCGGCTGCAGCT (p.Ser592fs)

Gene: LZTR1 (leucine zipper like post translational regulator 1; plus strand). Cytogenetic location: 22q11.21.
Variant type: Insertion.
Coding change: c.1772_1773insTCGCCCGGCTGCAGCT on transcript NM_006767.4 (MANE Select); coding-DNA positions 1772 to 1773, TCGCCCGGCTGCAGCT inserted.
Protein change: p.Ser592fs; shifts the reading frame from serine 592.
Molecular consequence: frameshift variant.
Genome position: GRCh38 VCF-style: chr22-20994699-C-CCGCCCGGCTGCAGCTT. GRCh37 (hg19) VCF-style: chr22-21348988-C-CCGCCCGGCTGCAGCTT.
Other names: short protein forms S592fs.
Identifiers: ClinVar variation 3541622 (VCV003541622.1).

ClinVar aggregate classification (germline): Pathogenic (1 of 4 stars; one submission).

Conditions:
Hereditary cancer-predisposing syndrome. Also called: Hereditary Cancer Syndrome; Hereditary neoplastic syndrome; Tumor predisposition; Neoplastic Syndromes, Hereditary. Identifiers: Orphanet 140162, MedGen C0027672, MeSH D009386, MONDO:0015356.
Cardiovascular phenotype. Identifiers: MedGen CN230736.

Submission:

Ambry Genetics
Classification: Pathogenic for Cardiovascular phenotype; Hereditary cancer-predisposing syndrome. Last evaluated: 2024-09-24. Review status: criteria provided, single submitter. Criteria: Ambry Variant Classification Scheme 2023. Collection method: clinical testing. Allele origin: germline.
Comment: The c.1772_1773ins16 variant, located in coding exon 15 of the LZTR1 gene, results from an insertion of 16 nucleotides (TCGCCCGGCTGCAGCT) at position 1772, causing a translational frameshift with a predicted alternate stop codon (p.S592Rfs*82). This variant is considered to be rare based on population cohorts in the Genome Aggregation Database (gnomAD). This alteration is expected to result in loss of function by premature protein truncation or nonsense-mediated mRNA decay. Loss-of-function variants in LZTR1 are related to an increased risk for schwannomas and autosomal recessive Noonan syndrome; however, such associations with autosomal dominant Noonan syndrome have not been observed (Piotrowski A et al. Nat Genet. 2014 Feb;46:182-7; Yamamoto GL et al. J Med Genet. 2015 Jun;52:413-21; Johnston JJ et al. Genet Med. 2018 10;20:1175-1185). Based on the supporting evidence, this variant is pathogenic for an increased risk of LZTR1-related schwannomatosis (SWN) and would be expected to cause autosomal recessive Noonan syndrome when present along with a second pathogenic or likely pathogenic variant on the other allele; however, the association of this alteration with autosomal dominant Noonan syndrome is unlikely.